The following is an entry in ClinVar:

NM_001042492.3(NF1):c.608C>T (p.Ala203Val)

Gene: NF1 (neurofibromin 1; plus strand). Cytogenetic location: 17q11.2.
Variant type: single nucleotide variant.
Coding change: c.608C>T on transcript NM_001042492.3 (MANE Select); coding-DNA position 608, C replaced by T.
Protein change: p.Ala203Val; replaces alanine 203 with valine.
Molecular consequence: missense variant.
Genome position (GRCh38, 1-based): chr17:31,181,443, C>T. VCF-style: chr17-31181443-C-T. GRCh37 (hg19) VCF-style: chr17-29508461-C-T.
Other names: c.608C>T, p.Ala203Val (NM_000267.4, NM_001128147.3); short protein forms A203V.
Identifiers: ClinVar variation 4014549 (VCV004014549.1).

ClinVar aggregate classification (germline): Uncertain significance (1 of 4 stars; one submission).

Conditions:
Cardiovascular phenotype. Identifiers: MedGen CN230736.
Hereditary cancer-predisposing syndrome. Also called: Tumor predisposition; Hereditary neoplastic syndrome; Neoplastic Syndromes, Hereditary; Hereditary Cancer Syndrome. Identifiers: Orphanet 140162, MedGen C0027672, MeSH D009386, MONDO:0015356.

Submission:

Ambry Genetics
Classification: Uncertain significance for Cardiovascular phenotype; Hereditary cancer-predisposing syndrome. Last evaluated: 2025-03-28. Review status: criteria provided, single submitter. Criteria: Ambry Variant Classification Scheme 2023. Collection method: clinical testing. Allele origin: germline.
Comment: The p.A203V variant (also known as c.608C>T), located in coding exon 6 of the NF1 gene, results from a C to T substitution at nucleotide position 608. The alanine at codon 203 is replaced by valine, an amino acid with similar properties. This amino acid position is well conserved in available vertebrate species. In addition, the in silico prediction for this alteration is inconclusive. Based on the available evidence, the clinical significance of this variant remains unclear.